The following is an entry in ClinVar:

NM_144666.3(DNHD1):c.12240del (p.Lys4080fs)

Gene: DNHD1 (dynein heavy chain domain 1; plus strand). Cytogenetic location: 11p15.4.
Variant type: Deletion.
Coding change: c.12240del on transcript NM_144666.3 (MANE Select); coding-DNA position 12240, one base deleted (A; older notation c.12240delA).
Protein change: p.Lys4080fs; shifts the reading frame from lysine 4080.
Molecular consequence: frameshift variant.
Genome position (GRCh38, 1-based): chr11:6,567,749, A deleted; the last of 3 consecutive A bases (chr11:6,567,747-6,567,749); deleting any one gives the same sequence. VCF-style (leftmost placement, unchanged base first): chr11-6567746-TA-T. GRCh37 (hg19) VCF-style: chr11-6588976-TA-T.
Other names: short protein forms K4080fs.
Identifiers: ClinVar variation 806607 (VCV000806607.43), dbSNP rs751352585, ClinGen allele CA5856804.

ClinVar aggregate classification (germline): Conflicting classifications of pathogenicity. Review status: criteria provided, conflicting classifications (1 of 4 stars). 2 submissions from 2 submitters: Pathogenic (1); Uncertain significance (1). Last evaluated 2022-06-28.

Submissions (2):

Labcorp Genetics (formerly Invitae), Labcorp
Classification: Pathogenic. Last evaluated: 2022-06-28. Review status: criteria provided, single submitter. Criteria: Invitae Variant Classification Sherloc (09022015). Collection method: clinical testing. Allele origin: germline.
Comment: This sequence change creates a premature translational stop signal (p.Lys4080Asnfs*10) in the DNHD1 gene. It is expected to result in an absent or disrupted protein product. Loss-of-function variants in DNHD1 are known to be pathogenic (PMID: 34932939). This variant is present in population databases (rs751352585, gnomAD 0.02%). This variant has not been reported in the literature in individuals affected with DNHD1-related conditions. ClinVar contains an entry for this variant (Variation ID: 806607). For these reasons, this variant has been classified as Pathogenic.

CeGaT Center for Human Genetics Tuebingen
Classification: Uncertain significance. Last evaluated: 2019-04-01. Review status: criteria provided, single submitter. Criteria: CeGaT Center For Human Genetics Tuebingen Variant Classification Criteria Version 2. Collection method: clinical testing. Allele origin: germline. Affected: yes. Observed: 1 variant allele.

Literature cited by the submitters: PubMed 34932939 (cited by Labcorp Genetics (formerly Invitae), Labcorp).